The following is an entry in ClinVar:

NM_006031.6(PCNT):c.2916A>G (p.Glu972=)

Gene: PCNT (pericentrin; plus strand). Cytogenetic location: 21q22.3.
Variant type: single nucleotide variant.
Coding change: c.2916A>G on transcript NM_006031.6 (MANE Select); coding-DNA position 2916, A replaced by G.
Protein change: p.Glu972=; no amino-acid change (glutamic acid 972 retained).
Molecular consequence: synonymous variant.
Genome position (GRCh38, 1-based): chr21:46,366,890, A>G. VCF-style: chr21-46366890-A-G. GRCh37 (hg19) VCF-style: chr21-47786805-A-G.
Other names: c.2562A>G, p.Glu854= (NM_001315529.2).
Identifiers: ClinVar variation 3347172 (VCV003347172.1).
Genomic context (GRCh38, chr21:46,366,890, plus strand): 5'-ACACGCTGCCGACCTCGGCGCTCTGGAGACCAGACATCTGTCCAGCCTTGATTCTTTGGA[A>G]TCCTGTTACCTCTCTGAATTTCAGACCATCCGTGAGGAGCACAGGCAGGCCCTAGAGCTC-3'
Protein context (NP_006022.3, residues 962-982): TRHLSSLDSL[Glu972=]SCYLSEFQTI

ClinVar aggregate classification (germline): Likely benign (0 of 4 stars; one submission).

Conditions:
PCNT-related disorder. Also called: PCNT-related condition.

Submission:

PreventionGenetics, part of Exact Sciences
Classification: Likely benign for PCNT-related condition. Last evaluated: 2024-06-21. Review status: no assertion criteria provided. Collection method: clinical testing. Allele origin: germline.
Comment: This variant is classified as likely benign based on ACMG/AMP sequence variant interpretation guidelines (Richards et al. 2015 PMID: 25741868, with internal and published modifications).